The following is an entry in ClinVar:

NM_178172.6(GPIHBP1):c.429C>A (p.Ser143Arg)

Gene: GPIHBP1 (glycosylphosphatidylinositol anchored high density lipoprotein binding protein 1; plus strand). Cytogenetic location: 8q24.3.
Variant type: single nucleotide variant.
Coding change: c.429C>A on transcript NM_178172.6 (MANE Select); coding-DNA position 429, C replaced by A.
Protein change: p.Ser143Arg; replaces serine 143 with arginine.
Molecular consequence: missense variant. On other transcripts: intron variant (1).
Genome position (GRCh38, 1-based): chr8:143,215,392, C>A. VCF-style: chr8-143215392-C-A. GRCh37 (hg19) VCF-style: chr8-144297267-C-A.
Other names: c.375+54C>A (NM_001301772.2); short protein forms S143R.
Identifiers: ClinVar variation 1739491 (VCV001739491.2), dbSNP rs770702398, ClinGen allele CA372402478.

ClinVar aggregate classification (germline): Uncertain significance (1 of 4 stars; one submission).

Conditions:
Cardiovascular phenotype. Identifiers: MedGen CN230736.

gnomAD v4.1: 1 of 1,612,782 alleles (0.000062%); highest among the groups gnomAD compares: African/African-American, 0.0013%; no homozygotes.

Submission:

Ambry Genetics
Classification: Uncertain significance for Cardiovascular phenotype. Last evaluated: 2022-05-02. Review status: criteria provided, single submitter. Criteria: Ambry Variant Classification Scheme 2023. Collection method: clinical testing. Allele origin: germline.
Comment: The p.S143R variant (also known as c.429C>A), located in coding exon 4 of the GPIHBP1 gene, results from a C to A substitution at nucleotide position 429. The serine at codon 143 is replaced by arginine, an amino acid with dissimilar properties. This amino acid position is conserved. In addition, this alteration is predicted to be tolerated by in silico analysis. Since supporting evidence is limited at this time, the clinical significance of this alteration remains unclear.